The following is an entry in ClinVar:

ClinVar aggregate classification (germline): Uncertain significance (1 of 4 stars; one submission).

Submission:

GeneDx
Classification: Uncertain significance. Last evaluated: 2024-02-17. Review status: criteria provided, single submitter. Criteria: GeneDx Variant Classification Process June 2021. Collection method: clinical testing. Allele origin: germline. Affected: yes.
Comment: Not observed at significant frequency in large population cohorts (gnomAD); In silico analysis supports that this missense variant has a deleterious effect on protein structure/function; Has not been previously published as pathogenic or benign to our knowledge

NM_004586.3(RPS6KA3):c.2116A>G (p.Thr706Ala)

Gene: RPS6KA3 (ribosomal protein S6 kinase A3; minus strand). Cytogenetic location: Xp22.12.
Variant type: single nucleotide variant.
Coding change: c.2116A>G on transcript NM_004586.3 (MANE Select); coding-DNA position 2116, A replaced by G.
Protein change: p.Thr706Ala; replaces threonine 706 with alanine.
Molecular consequence: missense variant.
Genome position (GRCh38, 1-based): chrX:20,155,505, T>C on the plus strand (A>G on the coding strand, the complement: RPS6KA3 is on the minus strand). VCF-style: chrX-20155505-T-C. GRCh37 (hg19) VCF-style: chrX-20173623-T-C.
Other names: short protein forms T706A.
Identifiers: ClinVar variation 3369435 (VCV003369435.1).